The following is an entry in ClinVar:

ClinVar aggregate classification (germline): Uncertain significance (1 of 4 stars; one submission).

Submission:

GeneDx
Classification: Uncertain significance. Last evaluated: 2022-08-25. Review status: criteria provided, single submitter. Criteria: GeneDx Variant Classification Process June 2021. Collection method: clinical testing. Allele origin: germline. Affected: yes.
Comment: Variants in candidate genes are classified as variants of uncertain significance in accordance with ACMG guidelines (Richards et al., 2015); Not observed at significant frequency in large population cohorts (gnomAD); In silico analysis supports that this missense variant has a deleterious effect on protein structure/function; Has not been previously published as pathogenic or benign to our knowledge

NM_020987.5(ANK3):c.2677G>T (p.Gly893Cys)

Gene: ANK3 (ankyrin 3; minus strand). Cytogenetic location: 10q21.2.
Variant type: single nucleotide variant.
Coding change: c.2677G>T on transcript NM_020987.5 (MANE Select); coding-DNA position 2677, G replaced by T.
Protein change: p.Gly893Cys; replaces glycine 893 with cysteine.
Molecular consequence: missense variant.
Genome position (GRCh38, 1-based): chr10:60,139,025, C>A on the plus strand (G>T on the coding strand, the complement: ANK3 is on the minus strand). VCF-style: chr10-60139025-C-A. GRCh37 (hg19) VCF-style: chr10-61898783-C-A.
Other names: c.79G>T, p.Gly27Cys (NM_001149.4); c.2659G>T, p.Gly887Cys (NM_001204403.2); c.2680G>T, p.Gly894Cys (NM_001204404.2); c.2677G>T, p.Gly893Cys (NM_001320874.2); short protein forms G27C, G887C, G893C, G894C.
Identifiers: ClinVar variation 2662721 (VCV002662721.1), dbSNP rs2493026168, ClinGen allele CA376998948.